The following is an entry in ClinVar:

ClinVar aggregate classification (germline): Uncertain significance (1 of 4 stars; one submission).

Submission:

Labcorp Genetics (formerly Invitae), Labcorp
Classification: Uncertain significance. Last evaluated: 2024-06-02. Review status: criteria provided, single submitter. Criteria: Invitae Variant Classification Sherloc (09022015). Collection method: clinical testing. Allele origin: germline.
Comment: This sequence change replaces isoleucine, which is neutral and non-polar, with leucine, which is neutral and non-polar, at codon 813 of the RFX7 protein (p.Ile813Leu). This variant is not present in population databases (gnomAD no frequency). This variant has not been reported in the literature in individuals affected with RFX7-related conditions. Experimental studies and prediction algorithms are not available or were not evaluated, and the functional significance of this variant is currently unknown. In summary, the available evidence is currently insufficient to determine the role of this variant in disease. Therefore, it has been classified as a Variant of Uncertain Significance.

NM_022841.7(RFX7):c.2437A>C (p.Ile813Leu)

Gene: RFX7 (regulatory factor X7; minus strand). Cytogenetic location: 15q21.3.
Variant type: single nucleotide variant.
Coding change: c.2437A>C on transcript NM_022841.7 (MANE Select); coding-DNA position 2437, A replaced by C.
Protein change: p.Ile813Leu; replaces isoleucine 813 with leucine.
Molecular consequence: missense variant.
Genome position (GRCh38, 1-based): chr15:56,095,291, T>G on the plus strand (A>C on the coding strand, the complement: RFX7 is on the minus strand). VCF-style: chr15-56095291-T-G. GRCh37 (hg19) VCF-style: chr15-56387489-T-G.
Other names: c.2146A>C, p.Ile716Leu (NM_001368073.2, NM_001368074.1, NM_001370554.1); c.2437A>C, p.Ile813Leu (NM_001370561.1); short protein forms I813L, I716L.
Identifiers: ClinVar variation 3690773 (VCV003690773.2).